The following is an entry in ClinVar:

ClinVar aggregate classification (germline): Pathogenic (1 of 4 stars; one submission).

Submission:

Labcorp Genetics (formerly Invitae), Labcorp
Classification: Pathogenic. Last evaluated: 2024-12-02. Review status: criteria provided, single submitter. Criteria: Invitae Variant Classification Sherloc (09022015). Collection method: clinical testing. Allele origin: germline.
Comment: This sequence change creates a premature translational stop signal (p.Tyr1615Thrfs*27) in the NSD1 gene. It is expected to result in an absent or disrupted protein product. Loss-of-function variants in NSD1 are known to be pathogenic (PMID: 12464997, 14571271, 15942875, 16247291). This variant is not present in population databases (gnomAD no frequency). This premature translational stop signal has been observed in individual(s) with Sotos syndrome (PMID: 26690673, 35904121). For these reasons, this variant has been classified as Pathogenic.

Literature cited by the submitters: PubMed 12464997; PubMed 14571271; PubMed 15942875; PubMed 16247291; PubMed 26690673; PubMed 35904121.

NM_022455.5(NSD1):c.4843del (p.Tyr1615fs)

Gene: NSD1 (nuclear receptor binding SET domain protein 1; plus strand). Cytogenetic location: 5q35.3.
Variant type: Deletion.
Coding change: c.4843del on transcript NM_022455.5 (MANE Select); coding-DNA position 4843, one base deleted (T; older notation c.4843delT).
Protein change: p.Tyr1615fs; shifts the reading frame from tyrosine 1615.
Molecular consequence: frameshift variant.
Genome position (GRCh38, 1-based): chr5:177,257,028, T deleted; the last of 4 consecutive T bases (chr5:177,257,025-177,257,028); deleting any one gives the same sequence. VCF-style (leftmost placement, unchanged base first): chr5-177257024-GT-G. GRCh37 (hg19) VCF-style: chr5-176684025-GT-G.
Other names: c.3970del, p.Tyr1324fs (NM_001365684.2, NM_001409308.1, NM_001409309.1 and 1 more transcripts); c.4843del, p.Tyr1615fs (NM_001409301.1, NM_001409302.1, NM_001409303.1); c.4423del, p.Tyr1475fs (NM_001409304.1); c.4090del, p.Tyr1364fs (NM_001409305.1); c.4081del, p.Tyr1361fs (NM_001409306.1, NM_001409307.1); short protein forms Y1324fs, Y1361fs, Y1364fs, Y1475fs, Y1615fs.
Identifiers: ClinVar variation 3720669 (VCV003720669.2).